The following is an entry in ClinVar:

ClinVar aggregate classification (germline): Uncertain significance (1 of 4 stars; one submission).

Conditions:
Epileptic encephalopathy. Identifiers: MedGen C0543888, HP:0200134.

Submission:

Labcorp Genetics (formerly Invitae), Labcorp
Classification: Uncertain significance for Epileptic encephalopathy. Last evaluated: 2020-06-17. Review status: criteria provided, single submitter. Criteria: Invitae Variant Classification Sherloc (09022015). Collection method: clinical testing. Allele origin: germline.
Comment: In summary, the available evidence is currently insufficient to determine the role of this variant in disease. Therefore, it has been classified as a Variant of Uncertain Significance. Algorithms developed to predict the effect of missense changes on protein structure and function (SIFT, PolyPhen-2, Align-GVGD) all suggest that this variant is likely to be disruptive, but these predictions have not been confirmed by published functional studies and their clinical significance is uncertain. This variant has not been reported in the literature in individuals with GABBR2-related conditions. This variant is not present in population databases (ExAC no frequency). This sequence change replaces glycine with glutamic acid at codon 636 of the GABBR2 protein (p.Gly636Glu). The glycine residue is highly conserved and there is a moderate physicochemical difference between glycine and glutamic acid.

NM_005458.8(GABBR2):c.1907G>A (p.Gly636Glu)

Gene: GABBR2 (gamma-aminobutyric acid type B receptor subunit 2; minus strand). Cytogenetic location: 9q22.33.
Variant type: single nucleotide variant.
Coding change: c.1907G>A on transcript NM_005458.8 (MANE Select); coding-DNA position 1907, G replaced by A.
Protein change: p.Gly636Glu; replaces glycine 636 with glutamic acid.
Molecular consequence: missense variant.
Genome position (GRCh38, 1-based): chr9:98,311,192, C>T on the plus strand (G>A on the coding strand, the complement: GABBR2 is on the minus strand). VCF-style: chr9-98311192-C-T. GRCh37 (hg19) VCF-style: chr9-101073474-C-T.
Other names: short protein forms G636E.
Identifiers: ClinVar variation 1018122 (VCV001018122.8), dbSNP rs1830630539, ClinGen allele CA374203805.